The following is an entry in ClinVar:

ClinVar aggregate classification (germline): Pathogenic. Review status: reviewed by expert panel (3 of 4 stars). 2 submissions from 2 submitters: Pathogenic (1). 1 of the submissions does not count toward it. Last evaluated 2017-12-15.

Conditions:
Familial cancer of breast. Also called: BREAST CANCER, FAMILIAL; Hereditary breast cancer; hereditary breast carcinoma. Identifiers: Orphanet 227535, MedGen C0346153, MONDO:0016419, OMIM 114480. Disease mechanism: loss of function.
Breast-ovarian cancer, familial, susceptibility to, 2 (BROVCA2). Also called: BRCA2 Hereditary Breast and Ovarian Cancer. Identifiers: Orphanet 145, MedGen C2675520, MONDO:0012933, OMIM 612555. Disease mechanism: loss of function.

Submissions (2):

Evidence-based Network for the Interpretation of Germline Mutant Alleles (ENIGMA)
Classification: Pathogenic for Breast-ovarian cancer, familial, susceptibility to, 2. Last evaluated: 2017-12-15. Review status: reviewed by expert panel. Criteria: ENIGMA BRCA1/2 Classification Criteria (2017-06-29). Collection method: curation. Allele origin: germline. Study: ENIGMA.
Comment: Variant allele predicted to encode a truncated non-functional protein.

ClinVar Staff, National Center for Biotechnology Information (NCBI)
No classification provided. Condition: Familial cancer of breast. Review status: no classification provided. Collection method: literature only. Allele origin: germline. Affected: yes. Not counted in ClinVar's aggregate classification.

Literature cited by the submitters: PubMed 11802209 (cited by ClinVar Staff, National Center for Biotechnology Information (NCBI)).

NM_000059.4(BRCA2):c.5115_5119del (p.Asn1706fs)

Gene: BRCA2 (BRCA2 DNA repair associated; plus strand). Cytogenetic location: 13q13.1.
Variant type: Deletion.
Coding change: c.5115_5119del on transcript NM_000059.4 (MANE Select); coding-DNA positions 5115 to 5119, 5 bases deleted (AAATA; older notation c.5115_5119delAAATA).
Protein change: p.Asn1706fs; shifts the reading frame from asparagine 1706.
Molecular consequence: frameshift variant.
Genome position (GRCh38, 1-based): chr13:32,339,470-32,339,474, AAATA deleted. VCF-style (leftmost placement, unchanged base first): chr13-32339469-TAAATA-T. GRCh37 (hg19) VCF-style: chr13-32913606-TAAATA-T.
Other names: c.5115_5119delAAATA (NM_000059.3); short protein forms N1706fs.
Identifiers: ClinVar variation 51772 (VCV000051772.3), dbSNP rs397507759, ClinGen allele CA021289.
Genomic context (GRCh38, chr13:32,339,469, plus strand): 5'-CATTACTTGAAGCAAAAAAATGGCTTAGAGAAGGAATATTTGATGGTCAACCAGAAAGAA[TAAATA>T]CTGCAGATTATGTAGGAAATTATTTGTATGAAAATAATTCAAACAGTACTATAGCTGAAA-3'